The following is an entry in ClinVar:

NM_001378454.1(ALMS1):c.6839del (p.Pro2280fs)

Gene: ALMS1 (ALMS1 centrosome and basal body associated protein; plus strand). Cytogenetic location: 2p13.1.
Variant type: Deletion.
Coding change: c.6839del on transcript NM_001378454.1 (MANE Select); coding-DNA position 6839, one base deleted (C; older notation c.6839delC).
Protein change: p.Pro2280fs; shifts the reading frame from proline 2280.
Molecular consequence: frameshift variant.
Genome position (GRCh38, 1-based): chr2:73,453,366, C deleted; the last of 2 consecutive C bases (chr2:73,453,365-73,453,366); deleting either gives the same sequence. VCF-style (leftmost placement, unchanged base first): chr2-73453364-TC-T. GRCh37 (hg19) VCF-style: chr2-73680491-TC-T.
Other names: c.6842del, p.Pro2281fs (NM_015120.4); short protein forms P2281fs, P2280fs.
Identifiers: ClinVar variation 2753834 (VCV002753834.3), dbSNP rs2466110362, ClinGen allele CA2659619102.

ClinVar aggregate classification (germline): Pathogenic (1 of 4 stars; one submission).

Conditions:
Alstrom syndrome (ALMS). Identifiers: Orphanet 64, MedGen C0268425, MONDO:0008763, OMIM 203800.

Submission:

Labcorp Genetics (formerly Invitae), Labcorp
Classification: Pathogenic for Alstrom syndrome. Last evaluated: 2023-08-18. Review status: criteria provided, single submitter. Criteria: Invitae Variant Classification Sherloc (09022015). Collection method: clinical testing. Allele origin: germline.
Comment: For these reasons, this variant has been classified as Pathogenic. This premature translational stop signal has been observed in individual(s) with clinical features of ALMS1-related conditions (PMID: 33782391). This variant is not present in population databases (gnomAD no frequency). This sequence change creates a premature translational stop signal (p.Pro2281Leufs*63) in the ALMS1 gene. It is expected to result in an absent or disrupted protein product. Loss-of-function variants in ALMS1 are known to be pathogenic (PMID: 17594715).

Literature cited by the submitters: PubMed 33782391; PubMed 17594715.